The following is an entry in ClinVar:

NM_000260.4(MYO7A):c.1921T>A (p.Phe641Ile)

Gene: MYO7A (myosin VIIA; plus strand). Cytogenetic location: 11q13.5.
Variant type: single nucleotide variant.
Coding change: c.1921T>A on transcript NM_000260.4 (MANE Select); coding-DNA position 1921, T replaced by A.
Protein change: p.Phe641Ile; replaces phenylalanine 641 with isoleucine.
Molecular consequence: missense variant.
Genome position (GRCh38, 1-based): chr11:77,172,871, T>A. VCF-style: chr11-77172871-T-A. GRCh37 (hg19) VCF-style: chr11-76883917-T-A.
Other names: c.1921T>A, p.Phe641Ile (NM_001127180.2); c.1888T>A, p.Phe630Ile (NM_001369365.1); short protein forms F630I, F641I.
Identifiers: ClinVar variation 2071919 (VCV002071919.3), dbSNP rs371075538, ClinGen allele CA224836174.

ClinVar aggregate classification (germline): Uncertain significance. Review status: criteria provided, multiple submitters, no conflicts (2 of 4 stars). 2 submissions from 2 submitters: Uncertain significance (2). Last evaluated 2024-05-23.

Allele frequency attached by ClinVar (database versions not stated): TOPMed 0.00004; gnomAD 0.00005; ESP Exome Variant Server 0.00008.

Submissions (2):

Labcorp Genetics (formerly Invitae), Labcorp
Classification: Uncertain significance. Last evaluated: 2024-05-23. Review status: criteria provided, single submitter. Criteria: Invitae Variant Classification Sherloc (09022015). Collection method: clinical testing. Allele origin: germline.
Comment: This sequence change replaces phenylalanine, which is neutral and non-polar, with isoleucine, which is neutral and non-polar, at codon 641 of the MYO7A protein (p.Phe641Ile). This variant is present in population databases (rs371075538, gnomAD 0.003%). This variant has not been reported in the literature in individuals affected with MYO7A-related conditions. ClinVar contains an entry for this variant (Variation ID: 2071919). Advanced modeling of protein sequence and biophysical properties (such as structural, functional, and spatial information, amino acid conservation, physicochemical variation, residue mobility, and thermodynamic stability) performed at Invitae indicates that this missense variant is not expected to disrupt MYO7A protein function with a negative predictive value of 95%. In summary, the available evidence is currently insufficient to determine the role of this variant in disease. Therefore, it has been classified as a Variant of Uncertain Significance.

Blueprint Genetics
Classification: Uncertain significance. Last evaluated: 2023-10-23. Review status: criteria provided, single submitter. Criteria: ACMG Guidelines, 2015. Collection method: clinical testing. Allele origin: germline.